The following is an entry in ClinVar:

ClinVar aggregate classification (germline): Uncertain significance. Review status: criteria provided, multiple submitters, no conflicts (2 of 4 stars). 2 submissions from 2 submitters: Uncertain significance (2). Last evaluated 2023-10-24.

Conditions:
Hereditary cancer-predisposing syndrome. Also called: Neoplastic Syndromes, Hereditary; Tumor predisposition; Hereditary Cancer Syndrome; Hereditary neoplastic syndrome. Identifiers: Orphanet 140162, MedGen C0027672, MeSH D009386, MONDO:0015356.

Submissions (2):

Ambry Genetics
Classification: Uncertain significance for Hereditary cancer-predisposing syndrome. Last evaluated: 2023-10-24. Review status: criteria provided, single submitter. Criteria: Ambry Variant Classification Scheme 2023. Collection method: clinical testing. Allele origin: germline.
Comment: The c.1062+5G>A intronic variant results from a G to A substitution 5 nucleotides after coding exon 6 in the CTNNA1 gene. This nucleotide position is highly conserved in available vertebrate species. In silico splice site analysis predicts that this alteration will weaken the native splice donor site and will result in the creation or strengthening of a novel splice donor site. The evidence for this gene-disease relationship is limited; therefore, the clinical significance of this alteration is unclear.

Labcorp Genetics (formerly Invitae), Labcorp
Classification: Uncertain significance. Last evaluated: 2022-12-09. Review status: criteria provided, single submitter. Criteria: Invitae Variant Classification Sherloc (09022015). Collection method: clinical testing. Allele origin: germline.
Comment: This sequence change falls in intron 7 of the CTNNA1 gene. It does not directly change the encoded amino acid sequence of the CTNNA1 protein. It affects a nucleotide within the consensus splice site. This variant is not present in population databases (gnomAD no frequency). This variant has not been reported in the literature in individuals affected with CTNNA1-related conditions. Variants that disrupt the consensus splice site are a relatively common cause of aberrant splicing (PMID: 17576681, 9536098). Algorithms developed to predict the effect of sequence changes on RNA splicing suggest that this variant may disrupt the consensus splice site. In summary, the available evidence is currently insufficient to determine the role of this variant in disease. Therefore, it has been classified as a Variant of Uncertain Significance.

Literature cited by the submitters: PubMed 17576681 (cited by Labcorp Genetics (formerly Invitae), Labcorp); PubMed 9536098 (cited by Labcorp Genetics (formerly Invitae), Labcorp).

NM_001903.5(CTNNA1):c.1062+5G>A

Gene: CTNNA1 (catenin alpha 1; plus strand). Cytogenetic location: 5q31.2.
Variant type: single nucleotide variant.
Coding change: c.1062+5G>A on transcript NM_001903.5 (MANE Select); 5 bases into the intron after coding-DNA position 1062, G replaced by A.
Molecular consequence: intron variant.
Genome position (GRCh38, 1-based): chr5:138,827,723, G>A. VCF-style: chr5-138827723-G-A. GRCh37 (hg19) VCF-style: chr5-138163412-G-A.
Other names: c.1062+5G>A (NM_001323982.2, NM_001323984.2, NM_001290307.3 and 4 more transcripts); c.693+5G>A (NM_001290310.3); c.753+5G>A (NM_001290309.3).
Identifiers: ClinVar variation 2819587 (VCV002819587.4), dbSNP rs2149786154, ClinGen allele CA2710335466.
Genomic context (GRCh38, chr5:138,827,723, plus strand): 5'-AGTGTAATGCTGTCCGCCAGGCCCTGCAGGACCTGCTTTCGGAGTACATGGGCAATGTGA[G>A]TTTGACAGCTTTTCTTTGAAGTAAGATATTTATGGATGAGGAGTTTTCTATAACATGTTG-3'